The following is an entry in ClinVar:

NM_000059.4(BRCA2):c.6750A>C (p.Thr2250=)

Gene: BRCA2 (BRCA2 DNA repair associated; plus strand). Cytogenetic location: 13q13.1.
Variant type: single nucleotide variant.
Coding change: c.6750A>C on transcript NM_000059.4 (MANE Select); coding-DNA position 6750, A replaced by C.
Protein change: p.Thr2250=; no amino-acid change (threonine 2250 retained).
Molecular consequence: synonymous variant.
Genome position (GRCh38, 1-based): chr13:32,341,105, A>C. VCF-style: chr13-32341105-A-C. GRCh37 (hg19) VCF-style: chr13-32915242-A-C.
Identifiers: ClinVar variation 220265 (VCV000220265.25), dbSNP rs864622449, ClinGen allele CA348038.

ClinVar aggregate classification (germline): Likely benign. Review status: reviewed by expert panel (3 of 4 stars). 7 submissions from 7 submitters: Likely benign (1). 6 of the submissions do not count toward it. Last evaluated 2017-06-29.

Conditions:
BRCA2-related cancer predisposition. Identifiers: MedGen CN377758, MONDO:0700269.
Hereditary cancer-predisposing syndrome. Also called: Tumor predisposition; Hereditary neoplastic syndrome; Neoplastic Syndromes, Hereditary; Hereditary Cancer Syndrome. Identifiers: Orphanet 140162, MedGen C0027672, MeSH D009386, MONDO:0015356.
Hereditary breast ovarian cancer syndrome. Also called: Hereditary breast and ovarian cancer; BRCA1- and BRCA2-Associated Hereditary Breast and Ovarian Cancer; Hereditary breast and/or ovarian cancer syndrome; Hereditary breast and ovarian cancer syndrome; Hereditary breast and ovarian cancer syndrome (HBOC); Breast and ovarian cancer. Identifiers: Orphanet 145, MedGen C0677776, MeSH D061325, MONDO:0003582. Disease mechanism: loss of function.
Breast-ovarian cancer, familial, susceptibility to, 2 (BROVCA2). Also called: BRCA2 Hereditary Breast and Ovarian Cancer. Identifiers: Orphanet 145, MedGen C2675520, MONDO:0012933, OMIM 612555. Disease mechanism: loss of function.

Allele frequency attached by ClinVar (database versions not stated): gnomAD 0.00001; TOPMed 0.00002.
gnomAD v4.1: 4 of 1,613,860 alleles (0.00025%); highest among the groups gnomAD compares: African/African-American, 0.0053%; no homozygotes.

Submissions (7):

Evidence-based Network for the Interpretation of Germline Mutant Alleles (ENIGMA)
Classification: Likely benign for Breast-ovarian cancer, familial, susceptibility to, 2. Last evaluated: 2017-06-29. Review status: reviewed by expert panel. Criteria: ENIGMA BRCA1/2 Classification Criteria (2017-06-29). Collection method: curation. Allele origin: germline.
Comment: Synonymous substitution variant, with low bioinformatic likelihood to result in a splicing aberration (Splicing prior probability 0.02).

Labcorp Genetics (formerly Invitae), Labcorp
Classification: Likely benign for Hereditary breast ovarian cancer syndrome. Last evaluated: 2025-10-29. Review status: criteria provided, single submitter. Criteria: Invitae Variant Classification Sherloc (09022015). Collection method: clinical testing. Allele origin: germline. Not counted in ClinVar's aggregate classification.

All of Us Research Program, National Institutes of Health
Classification: Likely benign for BRCA2-related cancer predisposition. Last evaluated: 2024-08-13. Review status: criteria provided, single submitter. Criteria: ACMG Guidelines, 2015. Collection method: clinical testing. Allele origin: germline. Inheritance: Autosomal dominant inheritance. Observed: 1 variant allele, 1 heterozygote. Not counted in ClinVar's aggregate classification.
Comment: This study involves interpretation of variants in research participants for the purpose of population health screening. Participant phenotype was not available at the time of variant classification. Additional details can be found in publication PMID: 35346344, PMCID: PMC8962531

Women's Health and Genetics/Laboratory Corporation of America, LabCorp
Classification: Likely benign. Last evaluated: 2019-07-12. Review status: criteria provided, single submitter. Criteria: LabCorp Variant Classification Summary - May 2015. Collection method: clinical testing. Allele origin: germline. Not counted in ClinVar's aggregate classification.

Color Diagnostics, LLC DBA Color Health
Classification: Likely benign for Hereditary cancer-predisposing syndrome. Last evaluated: 2019-01-14. Review status: criteria provided, single submitter. Criteria: ACMG Guidelines, 2015. Collection method: clinical testing. Allele origin: germline. Not counted in ClinVar's aggregate classification.

GeneDx
Classification: Likely benign. Last evaluated: 2018-07-03. Review status: criteria provided, single submitter. Criteria: GeneDx Variant Classification Process June 2021. Collection method: clinical testing. Allele origin: germline. Affected: yes. Not counted in ClinVar's aggregate classification.

Ambry Genetics
Classification: Likely benign for Hereditary cancer-predisposing syndrome. Last evaluated: 2015-08-14. Review status: criteria provided, single submitter. Criteria: Ambry Variant Classification Scheme 2023. Collection method: clinical testing. Allele origin: germline. Not counted in ClinVar's aggregate classification.